The following is an entry in ClinVar:

NM_000138.5(FBN1):c.6830G>A (p.Gly2277Glu)

Gene: FBN1 (fibrillin 1; minus strand). Cytogenetic location: 15q21.1.
Variant type: single nucleotide variant.
Coding change: c.6830G>A on transcript NM_000138.5 (MANE Select); coding-DNA position 6830, G replaced by A.
Protein change: p.Gly2277Glu; replaces glycine 2277 with glutamic acid.
Molecular consequence: missense variant.
Genome position (GRCh38, 1-based): chr15:48,430,712, C>T on the plus strand (G>A on the coding strand, the complement: FBN1 is on the minus strand). VCF-style: chr15-48430712-C-T. GRCh37 (hg19) VCF-style: chr15-48722909-C-T.
Other names: short protein forms G2277E.
Identifiers: ClinVar variation 919355 (VCV000919355.7), dbSNP rs2043017212, ClinGen allele CA392332176.
Genomic context (GRCh38, chr15:48,430,712, plus strand): 5'-TCCACAGGGATCCTCTTACCTACACAGCCTTCTCCATCAGGTCTCCGCTGATACCCGGGT[C>T]CACAGATGCACATATATGTGCCAATGAGGTTCTTGCATTCCATTTGTTTTTCAGTACAGT-3'
Protein context (NP_000129.3, residues 2267-2287): NLIGTYMCIC[Gly2277Glu]PGYQRRPDGE

ClinVar aggregate classification (germline): Uncertain significance. Review status: criteria provided, multiple submitters, no conflicts (2 of 4 stars). 3 submissions from 3 submitters: Uncertain significance (3). Last evaluated 2024-03-06.

Conditions:
Familial thoracic aortic aneurysm and aortic dissection (TAAD). Also called: Thoracic aortic aneurysms and dissections. Identifiers: Orphanet 91387, MedGen C4707243, MONDO:0019625.
Marfan syndrome (MFS). Also called: Marfan syndrome, classic; Marfan syndrome type 1; Marfan's syndrome; FBN1-Related Marfan Syndrome; MARFAN SYNDROME, TYPE I. Identifiers: Orphanet 284963, Orphanet 558, MedGen C0024796, MONDO:0007947, OMIM 154700.
Weill-Marchesani syndrome 2, dominant. Also called: FBN1-Related Weill-Marchesani Syndrome; Weill-Marchesani Syndrome, Autosomal Dominant. Identifiers: Orphanet 2084, MedGen C1869115, MONDO:0012013, OMIM 608328.
Progeroid and marfanoid aspect-lipodystrophy syndrome. Also called: MARFANOID-PROGEROID SYNDROME; MARFAN-PROGEROID-LIPODYSTROPHY SYNDROME; Marfan lipodystrophy syndrome; MARFANOID-PROGEROID-LIPODYSTROPHY SYNDROME. Identifiers: Orphanet 300382, MedGen C4310796, MONDO:0014831, OMIM 616914.
Acromicric dysplasia (ACMICD). Also called: Acromicric skeletal dysplasia. Identifiers: Orphanet 969, MedGen C0265287, MONDO:0007055, OMIM 102370.
Ectopia lentis 1, isolated, autosomal dominant (ECTOL1). Identifiers: Orphanet 1885, MedGen C3541518, MONDO:0007514, OMIM 129600.
Geleophysic dysplasia 2 (GPHYSD2). Identifiers: Orphanet 2623, MedGen C3280054, MONDO:0013612, OMIM 614185.
MASS syndrome (OCTD). Also called: OVERLAP CONNECTIVE TISSUE DISEASE; MASS PHENOTYPE. Identifiers: MedGen C1858556, MONDO:0011431, OMIM 604308.
Stiff skin syndrome (SSKS). Identifiers: Orphanet 2833, MedGen C1861456, MONDO:0008492, OMIM 184900.

Submissions (3):

Color Diagnostics, LLC DBA Color Health
Classification: Uncertain significance for Familial thoracic aortic aneurysm and aortic dissection. Last evaluated: 2024-03-06. Review status: criteria provided, single submitter. Criteria: ACMG Guidelines, 2015. Collection method: clinical testing. Allele origin: germline.
Comment: This missense variant replaces glycine with glutamic acid at codon 2277 of the FBN1 protein. Computational prediction suggests that this variant may not impact protein structure and function (internally defined REVEL score threshold <= 0.5, PMID: 27666373). To our knowledge, functional studies have not been reported for this variant. This variant has not been reported in individuals affected with FBN1-related disorders in the literature. This variant has not been identified in the general population by the Genome Aggregation Database (gnomAD). The available evidence is insufficient to determine the role of this variant in disease conclusively. Therefore, this variant is classified as a Variant of Uncertain Significance.

All of Us Research Program, National Institutes of Health
Classification: Uncertain significance for Marfan syndrome. Last evaluated: 2023-05-04. Review status: criteria provided, single submitter. Criteria: ACMG Guidelines, 2015. Collection method: clinical testing. Allele origin: germline. Inheritance: Autosomal dominant inheritance. Observed: 1 variant allele, 1 heterozygote.
Comment: This missense variant replaces glycine with glutamic acid at codon 2277 of the FBN1 protein. Computational prediction tools and conservation analyses are inconclusive regarding the impact of this variant on the protein function. Computational splicing tools suggest that this variant may not impact RNA splicing. To our knowledge, functional assays have not been performed for this variant nor has this variant been reported in individuals affected with cardiovascular disorders in the literature. This variant has not been identified in the general population by the Genome Aggregation Database (gnomAD). Available evidence is insufficient to determine the role of this variant in disease conclusively. Therefore, this variant is classified as a Variant of Uncertain Significance.

This study involves interpretation of variants in research participants for the purpose of population health screening. Participant phenotype was not available at the time of variant classification. Additional details can be found in publication PMID: 35346344, PMCID: PMC8962531

Fulgent Genetics
Classification: Uncertain significance for Acromicric dysplasia; Ectopia lentis 1, isolated, autosomal dominant; Marfan syndrome; Stiff skin syndrome; MASS syndrome; Weill-Marchesani syndrome 2, dominant; Geleophysic dysplasia 2; Progeroid and marfanoid aspect-lipodystrophy syndrome. Last evaluated: 2021-12-14. Review status: criteria provided, single submitter. Criteria: ACMG Guidelines, 2015. Collection method: clinical testing. Allele origin: unknown.